The following is an entry in ClinVar:

ClinVar aggregate classification (germline): Benign (1 of 4 stars; one submission).

Conditions:
CBL-related disorder. Also called: NOONAN SYNDROME-LIKE DISORDER WITHOUT JUVENILE MYELOMONOCYTIC LEUKEMIA; CBL MUTATION-ASSOCIATED SYNDROME; CBL SYNDROME. Identifiers: Orphanet 363972, MedGen C3150803, MONDO:0013308, OMIM 613563.

Allele frequency attached by ClinVar (database versions not stated): 1000 Genomes Project 0.00040; gnomAD 0.00052 and 0.00058; TOPMed 0.00060; gnomAD exomes 0.00067.
gnomAD v4.1: 140 of 233,468 alleles (0.06%); highest among the groups gnomAD compares: Non-Finnish European, 0.085%; 1 homozygote.

Submission:

Illumina Laboratory Services, Illumina
Classification: Benign for CBL-related disorder. Last evaluated: 2018-01-12. Review status: criteria provided, single submitter. Criteria: ICSL Variant Classification Criteria 13 December 2019. Collection method: clinical testing. Allele origin: germline.
Comment: This variant was observed in the ICSL laboratory as part of a predisposition screen in an ostensibly healthy population. It had not been previously curated by ICSL or reported in the Human Gene Mutation Database (HGMD: prior to June 1st, 2018), and was therefore a candidate for classification through an automated scoring system. Utilizing variant allele frequency, disease prevalence and penetrance estimates, and inheritance mode, an automated score was calculated to assess if this variant is too frequent to cause the disease. Based on the score and internal cut-off values, a variant classified as benign is not then subjected to further curation. The score for this variant resulted in a classification of benign for this disease.

NM_005188.4(CBL):c.*3578A>T

Gene: CBL (Cbl proto-oncogene; plus strand). Cytogenetic location: 11q23.3.
Variant type: single nucleotide variant.
Coding change: c.*3578A>T on transcript NM_005188.4 (MANE Select); 3578 bases downstream of the stop codon, A replaced by T.
Molecular consequence: 3 prime UTR variant.
Genome position (GRCh38, 1-based): chr11:119,303,359, A>T. VCF-style: chr11-119303359-A-T. GRCh37 (hg19) VCF-style: chr11-119174069-A-T.
Identifiers: ClinVar variation 302837 (VCV000302837.5), dbSNP rs140313356, ClinGen allele CA10637409.